The following is an entry in ClinVar:

NM_001130438.3(SPTAN1):c.7309-3C>A

Gene: SPTAN1 (spectrin alpha, non-erythrocytic 1; plus strand). Cytogenetic location: 9q34.11.
Variant type: single nucleotide variant.
Coding change: c.7309-3C>A on transcript NM_001130438.3 (MANE Select); 3 bases into the intron before coding-DNA position 7309, C replaced by A.
Molecular consequence: intron variant.
Genome position (GRCh38, 1-based): chr9:128,633,206, C>A. VCF-style: chr9-128633206-C-A. GRCh37 (hg19) VCF-style: chr9-131395485-C-A.
Other names: c.7372-3C>A (NM_001363759.2); c.7294-3C>A (NM_003127.4); c.7249-3C>A (NM_001363765.2); c.7234-3C>A (NM_001195532.2).
Identifiers: ClinVar variation 530541 (VCV000530541.10), dbSNP rs777355476, ClinGen allele CA5266080.
Genomic context (GRCh38, chr9:128,633,206, plus strand): 5'-GGAGGTCGGGTTTGAAGTGGGTGCAGCTGGCTCAGGCACCAGGTGCCATCTCTTACCCCA[C>A]AGAACCTGACCCGGGAACAAGCCGACTACTGCGTCTCCCACATGAAGCCCTACGTGGACG-3'

ClinVar aggregate classification (germline): Uncertain significance. Review status: criteria provided, multiple submitters, no conflicts (2 of 4 stars). 2 submissions from 2 submitters: Uncertain significance (2). Last evaluated 2024-10-28.

Conditions:
Early-infantile DEE. Also called: Early infantile epileptic encephalopathy; Early infantile epileptic encephalopathy with suppression bursts; Ohtahara syndrome. Identifiers: Orphanet 1934, MedGen C0393706, MONDO:0800491.
Inborn genetic diseases. Identifiers: MedGen C0950123, MeSH D030342.

Allele frequency attached by ClinVar (database versions not stated): gnomAD 0.00004 and 0.00003; gnomAD exomes below 0.00001; ExAC 0.00001; TOPMed 0.00002.
gnomAD v4.1: 8 of 1,613,930 alleles (0.0005%); highest among the groups gnomAD compares: African/African-American, 0.0093%; no homozygotes.

Submissions (3):

Labcorp Genetics (formerly Invitae), Labcorp
Classification: Uncertain significance for Early-infantile DEE. Last evaluated: 2024-10-28. Review status: criteria provided, single submitter. Criteria: Invitae Variant Classification Sherloc (09022015). Collection method: clinical testing. Allele origin: germline.
Comment: This sequence change falls in intron 56 of the SPTAN1 gene. It does not directly change the encoded amino acid sequence of the SPTAN1 protein. It affects a nucleotide within the consensus splice site. This variant is present in population databases (rs777355476, gnomAD 0.007%). This variant has not been reported in the literature in individuals affected with SPTAN1-related conditions. ClinVar contains an entry for this variant (Variation ID: 530541). Variants that disrupt the consensus splice site are a relatively common cause of aberrant splicing (PMID: 17576681, 9536098). Algorithms developed to predict the effect of sequence changes on RNA splicing suggest that this variant may disrupt the consensus splice site. In summary, the available evidence is currently insufficient to determine the role of this variant in disease. Therefore, it has been classified as a Variant of Uncertain Significance.

Ambry Genetics
Classification: Uncertain significance for Inborn genetic diseases. Last evaluated: 2020-03-18. Review status: criteria provided, single submitter. Criteria: Ambry Variant Classification Scheme 2023. Collection method: clinical testing. Allele origin: germline.
Comment: The c.7309-3C>A intronic variant results from a C to A substitution 3 nucleotides upstream from coding exon 56 in the SPTAN1 gene. This nucleotide position is well conserved in available vertebrate species. Using the BDGP and ESEfinder splice site prediction tools, this alteration is predicted to weaken the efficiency of the native splice acceptor site; however, direct evidence is unavailable. Since supporting evidence is limited at this time, the clinical significance of this alteration remains unclear.

Dr. Peter K. Rogan Lab, Western University
No classification provided (evidence only). Condition: Uterine corpus endometrial carcinoma. Review status: no classification provided. Collection method: in vitro. Allele origin: not applicable. Functional consequence: retained intron. Not counted in ClinVar's aggregate classification.

Literature cited by the submitters: PubMed 17576681 (cited by Labcorp Genetics (formerly Invitae), Labcorp); PubMed 9536098 (cited by Labcorp Genetics (formerly Invitae), Labcorp).